The following is an entry in ClinVar:

NM_001429.4(EP300):c.4942C>G (p.Gln1648Glu)

Gene: EP300 (EP300 lysine acetyltransferase; plus strand). Cytogenetic location: 22q13.2.
Variant type: single nucleotide variant.
Coding change: c.4942C>G on transcript NM_001429.4 (MANE Select); coding-DNA position 4942, C replaced by G.
Protein change: p.Gln1648Glu; replaces glutamine 1648 with glutamic acid.
Molecular consequence: missense variant.
Genome position (GRCh38, 1-based): chr22:41,176,409, C>G. VCF-style: chr22-41176409-C-G. GRCh37 (hg19) VCF-style: chr22-41572413-C-G.
Other names: c.4864C>G, p.Gln1622Glu (NM_001362843.2); short protein forms Q1648E, Q1622E.
Identifiers: ClinVar variation 4982434 (VCV004982434.1).

ClinVar aggregate classification (germline): Uncertain significance (1 of 4 stars; one submission).

Conditions:
EP300-related disorder. Also called: EP300-related condition; EP300-related disorders.

Submission:

PreventionGenetics, part of Exact Sciences
Classification: Uncertain significance for EP300-related condition. Last evaluated: 2026-01-14. Review status: criteria provided, single submitter. Criteria: ACMG Guidelines, 2015. Collection method: clinical testing. Allele origin: germline.
Comment: The EP300 c.4942C>G variant is predicted to result in the amino acid substitution p.Gln1648Glu. To our knowledge, this variant has not been reported in the literature or in a large population database (gnomAD), indicating this variant is rare. At this time, the clinical significance of this variant is uncertain due to the absence of conclusive functional and genetic evidence.